The following is an entry in ClinVar:

ClinVar aggregate classification (germline): Uncertain significance. Review status: criteria provided, multiple submitters, no conflicts (2 of 4 stars). 2 submissions from 2 submitters: Uncertain significance (2). Last evaluated 2025-05-18.

Allele frequency attached by ClinVar (database versions not stated): TOPMed 0.00003.
gnomAD v4.1: 67 of 1,551,380 alleles (0.0043%); highest among the groups gnomAD compares: Middle Eastern, 0.05%; no homozygotes.

Submissions (2):

Ambry Genetics
Classification: Uncertain significance. Last evaluated: 2025-05-18. Review status: criteria provided, single submitter. Criteria: Ambry Variant Classification Scheme 2023. Collection method: clinical testing. Allele origin: germline.

GeneDx
Classification: Uncertain significance. Last evaluated: 2024-11-17. Review status: criteria provided, single submitter. Criteria: GeneDx Variant Classification Process June 2021. Collection method: clinical testing. Allele origin: germline. Affected: yes.
Comment: In silico analysis supports that this missense variant has a deleterious effect on protein structure/function; In silico analysis is inconclusive as to whether the variant alters gene splicing. In the absence of RNA/functional studies, the actual effect of this sequence change is unknown.; Has not been previously published as pathogenic or benign to our knowledge

NM_001367479.1(DNAH14):c.12382C>T (p.Arg4128Cys)

Gene: DNAH14 (dynein axonemal heavy chain 14; plus strand). Cytogenetic location: 1q42.12.
Variant type: single nucleotide variant.
Coding change: c.12382C>T on transcript NM_001367479.1 (MANE Select); coding-DNA position 12382, C replaced by T.
Protein change: p.Arg4128Cys; replaces arginine 4128 with cysteine.
Molecular consequence: missense variant.
Genome position (GRCh38, 1-based): chr1:225,374,751, C>T. VCF-style: chr1-225374751-C-T. GRCh37 (hg19) VCF-style: chr1-225562453-C-T.
Other names: NM_001373.1:c.12103C>T; short protein forms R4128C.
Identifiers: ClinVar variation 2454296 (VCV002454296.4), dbSNP rs777103417, ClinGen allele CA38516670.